The following is an entry in ClinVar:

ClinVar aggregate classification (germline): Uncertain significance. Review status: criteria provided, multiple submitters, no conflicts (2 of 4 stars). 2 submissions from 2 submitters: Uncertain significance (2). Last evaluated 2025-07-27.

Submissions (2):

Labcorp Genetics (formerly Invitae), Labcorp
Classification: Uncertain significance. Last evaluated: 2025-07-27. Review status: criteria provided, single submitter. Criteria: Invitae Variant Classification Sherloc (09022015). Collection method: clinical testing. Allele origin: germline.
Comment: This sequence change replaces proline, which is neutral and non-polar, with leucine, which is neutral and non-polar, at codon 123 of the COL9A3 protein (p.Pro123Leu). This variant is present in population databases (rs756661628, gnomAD 0.2%). This variant has not been reported in the literature in individuals affected with COL9A3-related conditions. Experimental studies and prediction algorithms are not available or were not evaluated, and the functional significance of this variant is currently unknown. In summary, the available evidence is currently insufficient to determine the role of this variant in disease. Therefore, it has been classified as a Variant of Uncertain Significance.

Blueprint Genetics
Classification: Uncertain significance. Last evaluated: 2024-11-28. Review status: criteria provided, single submitter. Criteria: ACMG Guidelines, 2015. Collection method: clinical testing. Allele origin: germline.

NM_001853.4(COL9A3):c.368C>T (p.Pro123Leu)

Gene: COL9A3 (collagen type IX alpha 3 chain; plus strand). Cytogenetic location: 20q13.33.
Variant type: single nucleotide variant.
Coding change: c.368C>T on transcript NM_001853.4 (MANE Select); coding-DNA position 368, C replaced by T.
Protein change: p.Pro123Leu; replaces proline 123 with leucine.
Molecular consequence: missense variant.
Genome position (GRCh38, 1-based): chr20:62,821,529, C>T. VCF-style: chr20-62821529-C-T. GRCh37 (hg19) VCF-style: chr20-61452881-C-T.
Other names: short protein forms P123L.
Identifiers: ClinVar variation 4716708 (VCV004716708.2).